The following is an entry in ClinVar:

NM_001346810.2(DLGAP2):c.2026G>T (p.Ala676Ser)

Gene: DLGAP2 (DLG associated protein 2; plus strand). Cytogenetic location: 8p23.3.
Variant type: single nucleotide variant.
Coding change: c.2026G>T on transcript NM_001346810.2 (MANE Select); coding-DNA position 2026, G replaced by T.
Protein change: p.Ala676Ser; replaces alanine 676 with serine.
Molecular consequence: missense variant.
Genome position (GRCh38, 1-based): chr8:1,668,544, G>T. VCF-style: chr8-1668544-G-T. GRCh37 (hg19) VCF-style: chr8-1616710-G-T.
Other names: short protein forms A676S.
Identifiers: ClinVar variation 4993761 (VCV004993761.1).

ClinVar aggregate classification (germline): Uncertain significance (1 of 4 stars; one submission).

Conditions:
DLGAP2-related disorder. Also called: DLGAP2-related condition.

Submission:

PreventionGenetics, part of Exact Sciences
Classification: Uncertain significance for DLGAP2-related condition. Last evaluated: 2026-06-19. Review status: criteria provided, single submitter. Criteria: ACMG Guidelines, 2015. Collection method: clinical testing. Allele origin: germline.
Comment: The DLGAP2 c.2026G>T variant is predicted to result in the amino acid substitution p.Ala676Ser. To our knowledge, this variant has not been reported in the literature or in a large population database (gnomAD), indicating this variant is rare. At this time, the clinical significance of this variant is uncertain due to the absence of conclusive functional and genetic evidence.